The following is an entry in ClinVar:

NM_015057.5(MYCBP2):c.6719T>C (p.Leu2240Pro)

Gene: MYCBP2 (MYC binding protein 2; minus strand). Cytogenetic location: 13q22.3.
Variant type: single nucleotide variant.
Coding change: c.6719T>C on transcript NM_015057.5 (MANE Select); coding-DNA position 6719, T replaced by C.
Protein change: p.Leu2240Pro; replaces leucine 2240 with proline.
Molecular consequence: missense variant.
Genome position (GRCh38, 1-based): chr13:77,157,988, A>G on the plus strand (T>C on the coding strand, the complement: MYCBP2 is on the minus strand). VCF-style: chr13-77157988-A-G. GRCh37 (hg19) VCF-style: chr13-77732123-A-G.
Other names: short protein forms L2240P.
Identifiers: ClinVar variation 5037133 (VCV005037133.1).

ClinVar aggregate classification (germline): Uncertain significance (1 of 4 stars; one submission).

Submission:

GeneDx
Classification: Uncertain significance. Last evaluated: 2026-04-13. Review status: criteria provided, single submitter. Criteria: GeneDx Variant Classification Process June 2021. Collection method: clinical testing. Allele origin: germline.
Comment: Not observed at significant frequency in large population cohorts (gnomAD); In silico analysis supports that this missense variant has a deleterious effect on protein structure/function; Has not been previously published as pathogenic or benign to our knowledge